The following is an entry in ClinVar:

ClinVar aggregate classification (germline): Conflicting classifications of pathogenicity. Review status: criteria provided, conflicting classifications (1 of 4 stars). 2 submissions from 2 submitters: Uncertain significance (1); Likely benign (1). Last evaluated 2023-03-23.

Conditions:
Hereditary cancer-predisposing syndrome. Also called: Tumor predisposition; Neoplastic Syndromes, Hereditary; Hereditary Cancer Syndrome; Hereditary neoplastic syndrome. Identifiers: Orphanet 140162, MedGen C0027672, MeSH D009386, MONDO:0015356.
Hereditary breast ovarian cancer syndrome. Also called: Hereditary breast and ovarian cancer syndrome (HBOC); Breast and ovarian cancer; BRCA1- and BRCA2-Associated Hereditary Breast and Ovarian Cancer; Hereditary breast and ovarian cancer; Hereditary breast and ovarian cancer syndrome; Hereditary breast and/or ovarian cancer syndrome. Identifiers: Orphanet 145, MedGen C0677776, MeSH D061325, MONDO:0003582. Disease mechanism: loss of function.

Submissions (2):

University of Washington Department of Laboratory Medicine, University of Washington
Classification: Likely benign for Hereditary cancer-predisposing syndrome. Last evaluated: 2023-03-23. Review status: criteria provided, single submitter. Criteria: Dines et al. (Genet Med. 2020). Collection method: curation. Allele origin: germline.
Comment: Missense variant in a coldspot region where missense variants are very unlikely to be pathogenic (PMID:31911673).

BRCA2 exon 11 coldspot. Reclassification based on statistical prior probability.

Labcorp Genetics (formerly Invitae), Labcorp
Classification: Uncertain significance for Hereditary breast ovarian cancer syndrome. Last evaluated: 2021-05-27. Review status: criteria provided, single submitter. Criteria: Invitae Variant Classification Sherloc (09022015). Collection method: clinical testing. Allele origin: germline.
Comment: In summary, the available evidence is currently insufficient to determine the role of this variant in disease. Therefore, it has been classified as a Variant of Uncertain Significance. Advanced modeling of protein sequence and biophysical properties (such as structural, functional, and spatial information, amino acid conservation, physicochemical variation, residue mobility, and thermodynamic stability) performed at Invitae indicates that this missense variant is not expected to disrupt BRCA2 protein function. This variant has not been reported in the literature in individuals with BRCA2-related conditions. This variant is not present in population databases (ExAC no frequency). This sequence change replaces alanine with aspartic acid at codon 1572 of the BRCA2 protein (p.Ala1572Asp). The alanine residue is weakly conserved and there is a moderate physicochemical difference between alanine and aspartic acid.

NM_000059.4(BRCA2):c.4715C>A (p.Ala1572Asp)

Gene: BRCA2 (BRCA2 DNA repair associated; plus strand). Cytogenetic location: 13q13.1.
Variant type: single nucleotide variant.
Coding change: c.4715C>A on transcript NM_000059.4 (MANE Select); coding-DNA position 4715, C replaced by A.
Protein change: p.Ala1572Asp; replaces alanine 1572 with aspartic acid.
Molecular consequence: missense variant.
Genome position (GRCh38, 1-based): chr13:32,339,070, C>A. VCF-style: chr13-32339070-C-A. GRCh37 (hg19) VCF-style: chr13-32913207-C-A.
Other names: short protein forms A1572D.
Identifiers: ClinVar variation 1384228 (VCV001384228.9), dbSNP rs2072511378, ClinGen allele CA387782955.